The following is an entry in ClinVar:

NM_013432.5(TONSL):c.1549C>T (p.Arg517Trp)

Genes: TONSL (tonsoku like, DNA repair protein; minus strand), TONSL-AS1 (TONSL antisense RNA 1; plus strand). Cytogenetic location: 8q24.3.
Variant type: single nucleotide variant.
Coding change: c.1549C>T on transcript NM_013432.5 (MANE Select); coding-DNA position 1549, C replaced by T.
Protein change: p.Arg517Trp; replaces arginine 517 with tryptophan.
Molecular consequence: missense variant.
Genome position (GRCh38, 1-based): chr8:144,438,667, G>A on the plus strand (C>T on the coding strand, the complement: TONSL is on the minus strand). VCF-style: chr8-144438667-G-A. GRCh37 (hg19) VCF-style: chr8-145664050-G-A.
Other names: short protein forms R517W.
Identifiers: ClinVar variation 2173173 (VCV002173173.1), dbSNP rs369658346, ClinGen allele CA4943176.

ClinVar aggregate classification (germline): Uncertain significance (1 of 4 stars; one submission).

Allele frequency attached by ClinVar (database versions not stated): gnomAD exomes 0.00002; ExAC 0.00004; TOPMed 0.00005; gnomAD 0.00006; ESP Exome Variant Server 0.00008; 1000 Genomes Project 0.00040; 1000 Genomes Project 30x 0.00047.
gnomAD v4.1: 41 of 1,613,132 alleles (0.0025%); highest among the groups gnomAD compares: South Asian, 0.018%; no homozygotes.

Submission:

Labcorp Genetics (formerly Invitae), Labcorp
Classification: Uncertain significance. Last evaluated: 2022-07-31. Review status: criteria provided, single submitter. Criteria: Invitae Variant Classification Sherloc (09022015). Collection method: clinical testing. Allele origin: germline.
Comment: This sequence change replaces arginine, which is basic and polar, with tryptophan, which is neutral and slightly polar, at codon 517 of the TONSL protein (p.Arg517Trp). This variant is present in population databases (rs369658346, gnomAD 0.01%). This variant has not been reported in the literature in individuals affected with TONSL-related conditions. Algorithms developed to predict the effect of missense changes on protein structure and function are either unavailable or do not agree on the potential impact of this missense change (SIFT: "Deleterious"; PolyPhen-2: "Benign"; Align-GVGD: "Class C0"). In summary, the available evidence is currently insufficient to determine the role of this variant in disease. Therefore, it has been classified as a Variant of Uncertain Significance.